The following is an entry in ClinVar:

NM_000059.4(BRCA2):c.8940dup (p.Glu2981fs)

Gene: BRCA2 (BRCA2 DNA repair associated; plus strand). Cytogenetic location: 13q13.1.
Variant type: Duplication.
Coding change: c.8940dup on transcript NM_000059.4 (MANE Select); coding-DNA position 8940, one base duplicated (A; older notation c.8940dupA).
Protein change: p.Glu2981fs; shifts the reading frame from glutamic acid 2981.
Molecular consequence: frameshift variant.
Genome position (GRCh38, 1-based): chr13:32,379,502, A duplicated; the last of 7 consecutive A bases (chr13:32,379,496-32,379,502); duplicating any one gives the same sequence. VCF-style (leftmost placement, unchanged base first): chr13-32379495-C-CA. GRCh37 (hg19) VCF-style: chr13-32953632-C-CA.
Other names: 9168insA; c.8940dupA (NM_000059.3); short protein forms E2981fs.
Identifiers: ClinVar variation 38195 (VCV000038195.25), dbSNP rs80359732, ClinGen allele CA025879.

ClinVar aggregate classification (germline): Pathogenic. Review status: reviewed by expert panel (3 of 4 stars). 10 submissions from 10 submitters: Pathogenic (1). 9 of the submissions do not count toward it. Last evaluated 2016-09-08.

Conditions:
BRCA2-related cancer predisposition. Identifiers: MedGen CN377758, MONDO:0700269.
Hereditary cancer-predisposing syndrome. Also called: Tumor predisposition; Neoplastic Syndromes, Hereditary; Hereditary neoplastic syndrome; Hereditary Cancer Syndrome. Identifiers: Orphanet 140162, MedGen C0027672, MeSH D009386, MONDO:0015356.
Hereditary breast ovarian cancer syndrome. Also called: Hereditary breast and ovarian cancer; Hereditary breast and ovarian cancer syndrome (HBOC); Hereditary breast and/or ovarian cancer syndrome; Breast and ovarian cancer; Hereditary breast and ovarian cancer syndrome; BRCA1- and BRCA2-Associated Hereditary Breast and Ovarian Cancer. Identifiers: Orphanet 145, MedGen C0677776, MeSH D061325, MONDO:0003582. Disease mechanism: loss of function.
Breast-ovarian cancer, familial, susceptibility to, 2 (BROVCA2). Also called: BRCA2 Hereditary Breast and Ovarian Cancer. Identifiers: Orphanet 145, MedGen C2675520, MONDO:0012933, OMIM 612555. Disease mechanism: loss of function.

Submissions (10):

Evidence-based Network for the Interpretation of Germline Mutant Alleles (ENIGMA)
Classification: Pathogenic for Breast-ovarian cancer, familial, susceptibility to, 2. Last evaluated: 2016-09-08. Review status: reviewed by expert panel. Criteria: ENIGMA BRCA1/2 Classification Criteria (2015). Collection method: curation. Allele origin: germline.
Comment: Variant allele predicted to encode a truncated non-functional protein.

Labcorp Genetics (formerly Invitae), Labcorp
Classification: Pathogenic for Hereditary breast ovarian cancer syndrome. Last evaluated: 2025-05-13. Review status: criteria provided, single submitter. Criteria: Invitae Variant Classification Sherloc (09022015). Collection method: clinical testing. Allele origin: germline. Not counted in ClinVar's aggregate classification.
Comment: This sequence change creates a premature translational stop signal (p.Glu2981Argfs*37) in the BRCA2 gene. It is expected to result in an absent or disrupted protein product. Loss-of-function variants in BRCA2 are known to be pathogenic (PMID: 20104584). This variant is not present in population databases (gnomAD no frequency). This premature translational stop signal has been observed in individual(s) with breast cancer (PMID: 18284688). This variant is also known as c.9168insA. ClinVar contains an entry for this variant (Variation ID: 38195). For these reasons, this variant has been classified as Pathogenic.

Ambry Genetics
Classification: Pathogenic for Hereditary cancer-predisposing syndrome. Last evaluated: 2024-09-13. Review status: criteria provided, single submitter. Criteria: Ambry Variant Classification Scheme 2023. Collection method: clinical testing. Allele origin: germline. Not counted in ClinVar's aggregate classification.
Comment: The c.8940dupA pathogenic mutation, located in coding exon 21 of the BRCA2 gene, results from a duplication of A at nucleotide position 8940, causing a translational frameshift with a predicted alternate stop codon (p.E2981Rfs*37). This mutation has been identified in early onset breast cancer cohorts (Lee E et al. Breast Cancer Res. 2008 Mar;10:R19; Copson ER et al. Lancet Oncol. 2018 Feb;19(2):169-180). Of note, this variant has been reported as 9168insA in the literature. This variant is considered to be rare based on population cohorts in the Genome Aggregation Database (gnomAD). In addition to the clinical data presented in the literature, this alteration is expected to result in loss of function by premature protein truncation or nonsense-mediated mRNA decay. As such, this alteration is interpreted as a disease-causing mutation.

All of Us Research Program, National Institutes of Health
Classification: Pathogenic for BRCA2-related cancer predisposition. Last evaluated: 2024-04-25. Review status: criteria provided, single submitter. Criteria: ACMG Guidelines, 2015. Collection method: clinical testing. Allele origin: germline. Inheritance: Autosomal dominant inheritance. Observed: 1 variant allele, 1 heterozygote. Not counted in ClinVar's aggregate classification.
Comment: This variant inserts 1 nucleotide in exon 22 of the BRCA2 gene, creating a frameshift and premature translation stop signal. This variant is expected to result in an absent or non-functional protein product. This variant has been observed in at least 4 individuals affected with breast cancer (PMID: 18284688, 31706072) and has been identified in 1 family among the CIMBA participants (PMID: 29446198). This variant has not been identified in the general population by the Genome Aggregation Database (gnomAD). Loss of BRCA2 function is a known mechanism of disease. Based on the available evidence, this variant is classified as Pathogenic.

This study involves interpretation of variants in research participants for the purpose of population health screening. Participant phenotype was not available at the time of variant classification. Additional details can be found in publication PMID: 35346344, PMCID: PMC8962531

Color Diagnostics, LLC DBA Color Health
Classification: Pathogenic for Hereditary cancer-predisposing syndrome. Last evaluated: 2024-02-21. Review status: criteria provided, single submitter. Criteria: ACMG Guidelines, 2015. Collection method: clinical testing. Allele origin: germline. Not counted in ClinVar's aggregate classification.
Comment: This variant inserts 1 nucleotide in exon 22 of the BRCA2 gene, creating a frameshift and premature translation stop signal. This variant is expected to result in an absent or non-functional protein product. This variant has been observed in at least 4 individuals affected with breast cancer (PMID: 18284688, 31706072) and has been identified in 1 family among the CIMBA participants (PMID: 29446198). This variant has not been identified in the general population by the Genome Aggregation Database (gnomAD). Loss of BRCA2 function is a known mechanism of disease. Based on the available evidence, this variant is classified as Pathogenic.

Women's Health and Genetics/Laboratory Corporation of America, LabCorp
Classification: Pathogenic for Hereditary breast and ovarian cancer syndrome. Last evaluated: 2020-11-12. Review status: criteria provided, single submitter. Criteria: LabCorp Variant Classification Summary - May 2015. Collection method: clinical testing. Allele origin: germline. Not counted in ClinVar's aggregate classification.
Comment: Variant summary: BRCA2 c.8940dupA (p.Glu2981ArgfsX37) results in a premature termination codon, predicted to cause a truncation of the encoded protein or absence of the protein due to nonsense mediated decay, which are commonly known mechanisms for disease. Truncations downstream of this position have been classified as pathogenic by our laboratory. The variant was absent in 245944 control chromosomes. c.8940dupA has been reported in the literature in individuals affected with Hereditary Breast And Ovarian Cancer Syndrome and subsequently cited by others (example, Rebbeck_2018, Michl_2016, Abida_2017, Park_2020). These data do not allow any conclusion about variant significance. To our knowledge, no variant specific experimental evidence demonstrating an impact on protein function has been reported. Four clinical diagnostic laboratories and one expert panel (ENIGMA) have submitted clinical-significance assessments for this variant to ClinVar after 2014 without evidence for independent evaluation. All submitters classified the variant as pathogenic. Based on the evidence outlined above, the variant was classified as pathogenic.

GeneDx
Classification: Pathogenic. Last evaluated: 2016-08-01. Review status: criteria provided, single submitter. Criteria: GeneDx Variant Classification (06012015). Collection method: clinical testing. Allele origin: germline. Affected: yes. Not counted in ClinVar's aggregate classification.
Comment: This duplication of one nucleotide in BRCA2 is denoted c.8940dupA at the cDNA level and p.Glu2981ArgfsX37 (E2981RfsX37) at the protein level. The normal sequence, with the base that is duplicated in braces, is CAAAAAA[A]GAAA. The duplication causes a frameshift which changes a Glutamic Acid to an Arginine at codon 2981, and creates a premature stop codon at position 37 of the new reading frame. This variant is predicted to cause loss of normal protein function through either protein truncation or nonsense-mediated mRNA decay. BRCA2 c.8940dupA, also reported as 9168insA, has been reported in at least one individual with early-onset breast cancer (Lee 2008). We consider this variant to be pathogenic.

Consortium of Investigators of Modifiers of BRCA1/2 (CIMBA), c/o University of Cambridge
Classification: Pathogenic for Breast-ovarian cancer, familial, susceptibility to, 2. Last evaluated: 2015-10-02. Review status: criteria provided, single submitter. Criteria: CIMBA Mutation Classification guidelines May 2016. Collection method: clinical testing. Allele origin: germline. Not counted in ClinVar's aggregate classification.

Sharing Clinical Reports Project (SCRP)
Classification: Pathogenic for Breast-ovarian cancer, familial 2. Last evaluated: 2010-06-09. Review status: no assertion criteria provided. Collection method: clinical testing. Allele origin: germline. Not counted in ClinVar's aggregate classification.

Breast Cancer Information Core (BIC) (BRCA2)
Classification: Pathogenic for Breast-ovarian cancer, familial 2. Last evaluated: 2003-12-23. Review status: no assertion criteria provided. Collection method: clinical testing. Allele origin: germline. Affected: yes. Observed: 1 variant allele. Not counted in ClinVar's aggregate classification.

Literature cited by the submitters: PubMed 20104584 (cited by Labcorp Genetics (formerly Invitae), Labcorp); PubMed 18284688 (cited by 4 submitters); PubMed 29337092 (cited by Ambry Genetics); PubMed 29446198 (cited by 3 submitters); PubMed 31706072 (cited by All of Us Research Program, National Institutes of Health and Color Diagnostics, LLC DBA Color Health); PubMed 28825054 (cited by Women's Health and Genetics/Laboratory Corporation of America, LabCorp); PubMed 27322732 (cited by Women's Health and Genetics/Laboratory Corporation of America, LabCorp); PubMed 32554602 (cited by Women's Health and Genetics/Laboratory Corporation of America, LabCorp).